The following is an entry in ClinVar:

ClinVar aggregate classification (germline): Likely pathogenic (1 of 4 stars; one submission).

Conditions:
Neurodevelopmental disorder with microcephaly, arthrogryposis, and structural brain anomalies. Identifiers: Orphanet 664923, MedGen C5231431, MONDO:0032838, OMIM 618622.

Submission:

Laboratorio de Genética Hospitales Universitarios Virgen de las Nieves y Clínico San Cecilio (Granada, Spain), Hospitales Universitarios Virgen de las Nieves y Clínico San Cecilio (Granada, Spain)
Classification: Likely pathogenic for Neurodevelopmental disorder with microcephaly, arthrogryposis, and structural brain anomalies. Last evaluated: 2022-05-10. Review status: criteria provided, single submitter. Criteria: ACMG Guidelines, 2015. Collection method: clinical testing. Allele origin: germline. Inheritance: Autosomal recessive inheritance. Affected: yes. Observed: 2 variant alleles, 2 homozygotes. Clinical features observed: Fetal growth restriction (HP:0001511), Arthrogryposis multiplex congenita (HP:0002804), Microcephaly (HP:0000252), Autosomal recessive inheritance (HP:0000007).
Comment: Both children had a similar phenotype and died at one month of age. This change produces a loss of function of the protein, a mechanism widely recognized in this gene as a cause of pathology, it is located in a moderately conserved molecular portion and is not described in population databases or associated with disease. That is why the aforementioned variant is classified as probably pathogenic (ACMG criteria: PVS1, PM2).

NM_017951.5(SMPD4):c.546_547del (p.Ala183fs)

Gene: SMPD4 (sphingomyelin phosphodiesterase 4; minus strand). Cytogenetic location: 2q21.1.
Variant type: Microsatellite.
Coding change: c.546_547del on transcript NM_017951.5 (MANE Select); coding-DNA positions 546 to 547, 2 bases deleted (TG; older notation c.546_547delTG).
Protein change: p.Ala183fs; shifts the reading frame from alanine 183.
Molecular consequence: frameshift variant. On other transcripts: non-coding transcript variant (2).
Genome position (GRCh38, 1-based): chr2:130,172,461-130,172,462, CA deleted on the plus strand (TG on the coding strand, the reverse complement: SMPD4 is on the minus strand); deleting any 2 consecutive bases within chr2:130,172,461-130,172,464 gives the same sequence; the c. name uses the placement nearest the transcript's 3' end. VCF-style (leftmost placement, unchanged base first): chr2-130172460-GCA-G. GRCh37 (hg19) VCF-style: chr2-130930033-GCA-G.
Other names: c.444_445del, p.Ala149fs (NM_001171083.2); c.663_664del, p.Ala222fs (NM_017751.4); short protein forms A149fs, A183fs, A222fs.
Identifiers: ClinVar variation 1684150 (VCV001684150.2), dbSNP rs1169024524, ClinGen allele CA536069494.